The following is an entry in ClinVar:

NM_000051.4(ATM):c.3237T>C (p.Ala1079=)

Gene: ATM (ATM serine/threonine kinase; plus strand). Cytogenetic location: 11q22.3.
Variant type: single nucleotide variant.
Coding change: c.3237T>C on transcript NM_000051.4 (MANE Select); coding-DNA position 3237, T replaced by C.
Protein change: p.Ala1079=; no amino-acid change (alanine 1079 retained).
Molecular consequence: synonymous variant.
Genome position (GRCh38, 1-based): chr11:108,272,805, T>C. VCF-style: chr11-108272805-T-C. GRCh37 (hg19) VCF-style: chr11-108143532-T-C.
Other names: c.3237T>C, p.Ala1079= (NM_001351834.2).
Identifiers: ClinVar variation 219744 (VCV000219744.28), dbSNP rs564238520, ClinGen allele CA348230.

ClinVar aggregate classification (germline): Benign/Likely benign. Review status: criteria provided, multiple submitters, no conflicts (2 of 4 stars). 9 submissions from 9 submitters: Benign (1); Likely benign (7). 1 of the submissions does not count toward it. Last evaluated 2025-06-11.

Conditions:
Familial cancer of breast. Also called: hereditary breast carcinoma; Hereditary breast cancer; BREAST CANCER, FAMILIAL. Identifiers: Orphanet 227535, MedGen C0346153, MONDO:0016419, OMIM 114480. Disease mechanism: loss of function.
Hereditary cancer-predisposing syndrome. Also called: Tumor predisposition; Neoplastic Syndromes, Hereditary; Hereditary Cancer Syndrome; Hereditary neoplastic syndrome. Identifiers: Orphanet 140162, MedGen C0027672, MeSH D009386, MONDO:0015356.
Ataxia-telangiectasia syndrome (AT). Also called: Ataxia telangiectasia (A-T); Cerebello-oculocutaneous telangiectasia; Immunodeficiency with ataxia telangiectasia; ATAXIA-TELANGIECTASIA, COMPLEMENTATION GROUP A; ATAXIA-TELANGIECTASIA, FRESNO VARIANT; Ataxia-telangiectasia. Identifiers: Orphanet 100, MedGen C0004135, MONDO:0008840, OMIM 208900.

Allele frequency attached by ClinVar (database versions not stated): ExAC 0.00001; gnomAD exomes 0.00001 and 0.00002; TOPMed 0.00002; gnomAD 0.00003; 1000 Genomes Project 30x 0.00016; 1000 Genomes Project 0.00020.
gnomAD v4.1: 32 of 1,614,150 alleles (0.002%); highest among the groups gnomAD compares: African/African-American, 0.0053%; no homozygotes.

Submissions (9):

Labcorp Genetics (formerly Invitae), Labcorp
Classification: Likely benign for Ataxia-telangiectasia syndrome. Last evaluated: 2025-06-11. Review status: criteria provided, single submitter. Criteria: Invitae Variant Classification Sherloc (09022015). Collection method: clinical testing. Allele origin: germline.

Blueprint Genetics
Classification: Likely benign. Last evaluated: 2024-09-24. Review status: criteria provided, single submitter. Criteria: ACMG Guidelines, 2015. Collection method: clinical testing. Allele origin: germline.

Myriad Genetics, Inc.
Classification: Benign for Familial cancer of breast. Last evaluated: 2024-05-14. Review status: criteria provided, single submitter. Criteria: Myriad Autosomal Dominant, Autosomal Recessive and X-Linked Classification Criteria (2023). Collection method: clinical testing. Allele origin: unknown.
Comment: This variant is considered benign. This variant is a silent/synonymous amino acid change and it is not expected to impact splicing.

Sema4
Classification: Likely benign for Hereditary cancer-predisposing syndrome. Last evaluated: 2022-03-09. Review status: criteria provided, single submitter. Criteria: Sema4 Curation Guidelines. Collection method: curation. Allele origin: germline.

GeneDx
Classification: Likely benign. Last evaluated: 2019-10-31. Review status: criteria provided, single submitter. Criteria: GeneDx Variant Classification Process June 2021. Collection method: clinical testing. Allele origin: germline. Affected: yes.

Women's Health and Genetics/Laboratory Corporation of America, LabCorp
Classification: Likely benign. Last evaluated: 2019-08-21. Review status: criteria provided, single submitter. Criteria: LabCorp Variant Classification Summary - May 2015. Collection method: clinical testing. Allele origin: germline.

Ambry Genetics
Classification: Likely benign for Hereditary cancer-predisposing syndrome. Last evaluated: 2016-10-12. Review status: criteria provided, single submitter. Criteria: Ambry Variant Classification Scheme 2023. Collection method: clinical testing. Allele origin: germline.

Color Diagnostics, LLC DBA Color Health
Classification: Likely benign for Hereditary cancer-predisposing syndrome. Last evaluated: 2016-04-27. Review status: criteria provided, single submitter. Criteria: ACMG Guidelines, 2015. Collection method: clinical testing. Allele origin: germline.

Natera, Inc.
Classification: Likely benign for Ataxia-telangiectasia. Last evaluated: 2020-03-07. Review status: no assertion criteria provided. Collection method: clinical testing. Allele origin: germline. Not counted in ClinVar's aggregate classification.